The following is an entry in ClinVar:

ClinVar aggregate classification (germline): Pathogenic (1 of 4 stars; one submission).

Conditions:
Autosomal recessive primary microcephaly. Identifiers: Orphanet 2512, MedGen C3711387, MONDO:0016660.

Submission:

Women's Health and Genetics/Laboratory Corporation of America, LabCorp
Classification: Pathogenic for Autosomal recessive primary microcephaly. Last evaluated: 2023-08-11. Review status: criteria provided, single submitter. Criteria: LabCorp Variant Classification Summary - May 2015. Collection method: clinical testing. Allele origin: germline.
Comment: Variant summary: ASPM c.8195_8196delGA (p.Arg2732LysfsX18) results in a premature termination codon, predicted to cause a truncation of the encoded protein or absence of the protein due to nonsense mediated decay, which are commonly known mechanisms for disease. The variant allele was found at a frequency of 4e-06 in 247050 control chromosomes (gnomAD). To our knowledge, no occurrence of c.8195_8196delGA in individuals affected with Primary microcephaly and no experimental evidence demonstrating its impact on protein function have been reported. No submitters have cited clinical-significance assessments for this variant to ClinVar after 2014. Based on the evidence outlined above, the variant was classified as pathogenic.

NM_018136.5(ASPM):c.8195_8196del (p.Arg2732fs)

Gene: ASPM (assembly factor for spindle microtubules; minus strand). Cytogenetic location: 1q31.3.
Variant type: Deletion.
Coding change: c.8195_8196del on transcript NM_018136.5 (MANE Select); coding-DNA positions 8195 to 8196, 2 bases deleted (GA; older notation c.8195_8196delGA).
Protein change: p.Arg2732fs; shifts the reading frame from arginine 2732.
Molecular consequence: frameshift variant. On other transcripts: intron variant (1).
Genome position (GRCh38, 1-based): chr1:197,101,055-197,101,056, TC deleted on the plus strand (GA on the coding strand, the reverse complement: ASPM is on the minus strand); deleting any 2 consecutive bases within chr1:197,101,055-197,101,057 gives the same sequence; the c. name uses the placement nearest the transcript's 3' end. VCF-style (leftmost placement, unchanged base first): chr1-197101054-TTC-T. GRCh37 (hg19) VCF-style: chr1-197070184-TTC-T.
Other names: c.4066-4892_4066-4891del (NM_001206846.2); short protein forms R2732fs.
Identifiers: ClinVar variation 2581671 (VCV002581671.1), dbSNP rs1558328295, ClinGen allele CA528534959.